The following is an entry in ClinVar:

ClinVar aggregate classification (germline): Benign. Review status: criteria provided, multiple submitters, no conflicts (2 of 4 stars). 3 submissions from 2 submitters: Benign (3). Last evaluated 2018-01-13.

Conditions:
Craniometaphyseal dysplasia, autosomal dominant (CMDD). Identifiers: Orphanet 1522, MedGen C1852502, MONDO:0007397, OMIM 123000.
Chondrocalcinosis 2. Also called: CALCIUM GOUT; CALCIUM PYROPHOSPHATE ARTHROPATHY; Familial calcium pyrophosphate deposition. Identifiers: Orphanet 1416, MedGen C0856830, MONDO:0007319, OMIM 118600.

Allele frequency attached by ClinVar (database versions not stated): 1000 Genomes Project 0.00280; 1000 Genomes Project 30x 0.00344; gnomAD 0.00815 and 0.00820; TOPMed 0.00851.

Submissions (3):

Illumina Laboratory Services, Illumina
Classification: Benign for Chondrocalcinosis 2. Last evaluated: 2018-01-13. Review status: criteria provided, single submitter. Criteria: ICSL Variant Classification Criteria 13 December 2019. Collection method: clinical testing. Allele origin: germline.
Comment: This variant was observed in the ICSL laboratory as part of a predisposition screen in an ostensibly healthy population. It had not been previously curated by ICSL or reported in the Human Gene Mutation Database (HGMD: prior to June 1st, 2018), and was therefore a candidate for classification through an automated scoring system. Utilizing variant allele frequency, disease prevalence and penetrance estimates, and inheritance mode, an automated score was calculated to assess if this variant is too frequent to cause the disease. Based on the score and internal cut-off values, a variant classified as benign is not then subjected to further curation. The score for this variant resulted in a classification of benign for this disease.

Illumina Laboratory Services, Illumina
Classification: Benign for Craniometaphyseal dysplasia, autosomal dominant. Last evaluated: 2018-01-13. Review status: criteria provided, single submitter. Criteria: ICSL Variant Classification Criteria 13 December 2019. Collection method: clinical testing. Allele origin: germline.
Comment: the same text as in the submission from Illumina Laboratory Services, Illumina above.

Breakthrough Genomics
Classification: Benign. Review status: criteria provided, single submitter. Criteria: ACMG Guidelines, 2015. Collection method: not provided. Allele origin: germline. Inheritance: Autosomal dominant inheritance. Affected: yes.

NM_054027.6(ANKH):c.*4219T>C

Genes: ANKH (ANKH inorganic pyrophosphate transport regulator; minus strand), OTULIN (OTU deubiquitinase with linear linkage specificity; plus strand). Cytogenetic location: 5p15.2.
Variant type: single nucleotide variant.
Coding change: c.*4219T>C on transcript NM_054027.6 (MANE Select); 4219 bases downstream of the stop codon, T replaced by C.
Molecular consequence: 3 prime UTR variant.
Genome position (GRCh38, 1-based): chr5:14,706,978, A>G on the plus strand (T>C on the coding strand, the complement: ANKH is on the minus strand). VCF-style: chr5-14706978-A-G. GRCh37 (hg19) VCF-style: chr5-14707087-A-G.
Identifiers: ClinVar variation 351418 (VCV000351418.6), dbSNP rs147322366, ClinGen allele CA10620460.